The following is an entry in ClinVar:

ClinVar aggregate classification (germline): Likely benign (1 of 4 stars; one submission).

Submission:

CeGaT Center for Human Genetics Tuebingen
Classification: Likely benign. Last evaluated: 2023-01-01. Review status: criteria provided, single submitter. Criteria: CeGaT Center For Human Genetics Tuebingen Variant Classification Criteria Version 2. Collection method: clinical testing. Allele origin: germline. Affected: yes. Observed: 4 variant alleles.
Comment: PTPRG: BS2; PTPRG-AS1: BS2

NM_002841.4(PTPRG):c.3766-12_3766-11insTTTTTTTTTTTTTTTTTTTTTTTTTTTTTTTTTTTT

Genes: PTPRG (protein tyrosine phosphatase receptor type G; plus strand), PTPRG-AS1 (PTPRG antisense RNA 1; minus strand). Cytogenetic location: 3p14.2.
Variant type: Insertion.
Coding change: c.3766-12_3766-11insTTTTTTTTTTTTTTTTTTTTTTTTTTTTTTTTTTTT on transcript NM_002841.4 (MANE Select); 12 bases into the intron before coding-DNA position 3766 through 11 bases into the intron before coding-DNA position 3766, TTTTTTTTTTTTTTTTTTTTTTTTTTTTTTTTTTTT inserted.
Molecular consequence: intron variant.
Genome position: GRCh38: chr3:62,281,551-62,281,552. GRCh37 (hg19): chr3:62,267,226-62,267,227.
Other names: c.3679-12_3679-11insTTTTTTTTTTTTTTTTTTTTTTTTTTTTTTTTTTTT (NM_001375471.1).
Identifiers: ClinVar variation 2653931 (VCV002653931.24), dbSNP rs60919586, ClinGen allele CA909097094.